The following is an entry in ClinVar:

NM_001379500.1(COL18A1):c.1205G>C (p.Gly402Ala)

Gene: COL18A1 (collagen type XVIII alpha 1 chain; plus strand). Cytogenetic location: 21q22.3.
Variant type: single nucleotide variant.
Coding change: c.1205G>C on transcript NM_001379500.1 (MANE Select); coding-DNA position 1205, G replaced by C.
Protein change: p.Gly402Ala; replaces glycine 402 with alanine.
Molecular consequence: missense variant.
Genome position (GRCh38, 1-based): chr21:45,477,949, G>C. VCF-style: chr21-45477949-G-C. GRCh37 (hg19) VCF-style: chr21-46897863-G-C.
Other names: NM_130445.2:c.1205G>C; c.1745G>C, p.Gly582Ala (NM_030582.4); c.2450G>C, p.Gly817Ala (NM_130444.3); short protein forms G402A, G582A, G817A.
Identifiers: ClinVar variation 1375799 (VCV001375799.2), dbSNP rs1283317728, ClinGen allele CA410515706.

ClinVar aggregate classification (germline): Uncertain significance. Review status: criteria provided, multiple submitters, no conflicts (2 of 4 stars). 2 submissions from 2 submitters: Uncertain significance (2). Last evaluated 2025-12-04.

Conditions:
Inborn genetic diseases. Identifiers: MedGen C0950123, MeSH D030342.

Allele frequency attached by ClinVar (database versions not stated): gnomAD exomes below 0.00001 and 0.00001.
gnomAD v4.1: 3 of 1,542,236 alleles (0.00019%); highest among the groups gnomAD compares: African/African-American, 0.0014%; no homozygotes.

Submissions (2):

Ambry Genetics
Classification: Uncertain significance for Inborn genetic diseases. Last evaluated: 2025-12-04. Review status: criteria provided, single submitter. Criteria: Ambry Variant Classification Scheme 2023. Collection method: clinical testing. Allele origin: germline.

Labcorp Genetics (formerly Invitae), Labcorp
Classification: Uncertain significance. Last evaluated: 2021-03-25. Review status: criteria provided, single submitter. Criteria: Invitae Variant Classification Sherloc (09022015). Collection method: clinical testing. Allele origin: germline.
Comment: This sequence change replaces glycine with alanine at codon 402 of the COL18A1 protein (p.Gly402Ala). The glycine residue is moderately conserved and there is a small physicochemical difference between glycine and alanine. The frequency data for this variant in the population databases is considered unreliable, as metrics indicate insufficient coverage at this position in the ExAC database. This variant has not been reported in the literature in individuals with COL18A1-related conditions. Experimental studies and prediction algorithms are not available or were not evaluated, and the functional significance of this variant is currently unknown. In summary, the available evidence is currently insufficient to determine the role of this variant in disease. Therefore, it has been classified as a Variant of Uncertain Significance.